The following is an entry in ClinVar:

NM_004958.4(MTOR):c.5633T>A (p.Leu1878Gln)

Gene: MTOR (mechanistic target of rapamycin kinase; minus strand). Cytogenetic location: 1p36.22.
Variant type: single nucleotide variant.
Coding change: c.5633T>A on transcript NM_004958.4 (MANE Select); coding-DNA position 5633, T replaced by A.
Protein change: p.Leu1878Gln; replaces leucine 1878 with glutamine.
Molecular consequence: missense variant.
Genome position (GRCh38, 1-based): chr1:11,129,819, A>T on the plus strand (T>A on the coding strand, the complement: MTOR is on the minus strand). VCF-style: chr1-11129819-A-T. GRCh37 (hg19) VCF-style: chr1-11189876-A-T.
Other names: c.5633T>A, p.Leu1878Gln (NM_001386500.1); c.4385T>A, p.Leu1462Gln (NM_001386501.1); short protein forms L1462Q, L1878Q.
Identifiers: ClinVar variation 4527178 (VCV004527178.1).

ClinVar aggregate classification (germline): Uncertain significance (1 of 4 stars; one submission).

Submission:

GeneDx
Classification: Uncertain significance. Last evaluated: 2025-04-22. Review status: criteria provided, single submitter. Criteria: GeneDx Variant Classification Process June 2021. Collection method: clinical testing. Allele origin: germline. Affected: yes.
Comment: Not observed at significant frequency in large population cohorts (gnomAD); In silico analysis indicates that this missense variant does not alter protein structure/function; Has not been previously published as pathogenic or benign to our knowledge